The following is an entry in ClinVar:

ClinVar aggregate classification (germline): Likely pathogenic (1 of 4 stars; one submission).

Conditions:
Charcot-Marie-Tooth disease type 4A. Also called: Charcot-Marie-Tooth disease, demyelinating, autosomal recessive, type 4a. Identifiers: Orphanet 99948, MedGen C1859198, MONDO:0008961, OMIM 214400.

Submission:

Women's Health and Genetics/Laboratory Corporation of America, LabCorp
Classification: Likely pathogenic for Charcot-Marie-Tooth disease type 4A. Last evaluated: 2023-08-30. Review status: criteria provided, single submitter. Criteria: LabCorp Variant Classification Summary - May 2015. Collection method: clinical testing. Allele origin: germline.
Comment: Variant summary: GDAP1 c.118-1G>A is located in a canonical splice-site and is predicted to affect mRNA splicing resulting in a significantly altered protein due to either exon skipping, shortening, or inclusion of intronic material. Several computational tools predict a significant impact on normal splicing: Two predict the variant abolishes a 3' acceptor site. One predict the variant weakens a 3' acceptor site. However, these predictions have yet to be confirmed by functional studies. The variant was absent in 251488 control chromosomes. To our knowledge, no occurrence of c.118-1G>A in individuals affected with Charcot-Marie Disease Type 4A and no experimental evidence demonstrating its impact on protein function have been reported. No submitters have cited clinical-significance assessments for this variant to ClinVar after 2014. Based on the evidence outlined above, the variant was classified as likely pathogenic.

NM_018972.4(GDAP1):c.118-1G>A

Gene: GDAP1 (ganglioside induced differentiation associated protein 1; plus strand). Cytogenetic location: 8q21.11.
Variant type: single nucleotide variant.
Coding change: c.118-1G>A on transcript NM_018972.4 (MANE Select); the canonical splice acceptor site of the intron before coding-DNA position 118, G replaced by A.
Molecular consequence: splice acceptor variant. On other transcripts: intron variant (2).
Genome position (GRCh38, 1-based): chr8:74,351,273, G>A. VCF-style: chr8-74351273-G-A. GRCh37 (hg19) VCF-style: chr8-75263508-G-A.
Other names: c.118-1G>A (NM_001362931.2, NM_001362930.2); c.-65-1G>A (NM_001362929.2); c.-18+695G>A (NM_001362932.2); c.-63-25G>A (NM_001040875.4).
Identifiers: ClinVar variation 2581457 (VCV002581457.1), dbSNP rs2536724594, ClinGen allele CA371499229.
Genomic context (GRCh38, chr8:74,351,273, plus strand): 5'-CAGGGAAGTCATTTAATTGAAAGCTTACATGTGTTGTAGTAACCAGTGTGAACTCTTCCA[G>A]GTGCGCTTGGTAATTGCTGAAAAGGCATTGAAGTGCGAGGAACATGATGTAAGTCTGCCC-3'